The following is an entry in ClinVar:

ClinVar aggregate classification (germline): Uncertain significance (1 of 4 stars; one submission).

gnomAD v4.1: 465 of 1,614,216 alleles (0.029%); highest among the groups gnomAD compares: Admixed American, 0.078%; no homozygotes.

Submission:

Labcorp Genetics (formerly Invitae), Labcorp
Classification: Uncertain significance. Last evaluated: 2024-08-30. Review status: criteria provided, single submitter. Criteria: Invitae Variant Classification Sherloc (09022015). Collection method: clinical testing. Allele origin: germline.
Comment: This sequence change replaces serine, which is neutral and polar, with phenylalanine, which is neutral and non-polar, at codon 1396 of the IGSF10 protein (p.Ser1396Phe). This variant is present in population databases (rs144379097, gnomAD 0.06%), and has an allele count higher than expected for a pathogenic variant. This missense change has been observed in individual(s) with constitutional delay of growth and puberty (PMID: 31726455). An algorithm developed to predict the effect of missense changes on protein structure and function (PolyPhen-2) suggests that this variant is likely to be disruptive. In summary, the available evidence is currently insufficient to determine the role of this variant in disease. Therefore, it has been classified as a Variant of Uncertain Significance.

Literature cited by the submitters: PubMed 31726455.

NM_178822.5(IGSF10):c.4187C>T (p.Ser1396Phe)

Gene: IGSF10 (immunoglobulin superfamily member 10; minus strand). Cytogenetic location: 3q25.1.
Variant type: single nucleotide variant.
Coding change: c.4187C>T on transcript NM_178822.5 (MANE Select); coding-DNA position 4187, C replaced by T.
Protein change: p.Ser1396Phe; replaces serine 1396 with phenylalanine.
Molecular consequence: missense variant.
Genome position (GRCh38, 1-based): chr3:151,445,794, G>A on the plus strand (C>T on the coding strand, the complement: IGSF10 is on the minus strand). VCF-style: chr3-151445794-G-A. GRCh37 (hg19) VCF-style: chr3-151163582-G-A.
Other names: c.4187C>T, p.Ser1396Phe (NM_001385060.1, NM_001385061.1, NM_001385062.1 and 1 more transcripts); short protein forms S1396F.
Identifiers: ClinVar variation 3669460 (VCV003669460.2).
Genomic context (GRCh38, chr3:151,445,794, plus strand): 5'-TTAAGAGTTCTTGAATGAAAACTGATTGTGCTTGAAATCCCAGTTGTGTTTTCTGGTGGG[G>A]AATGAGTGAATGCAGAGACACTGGGCTTGACTGAAGTTTCGGCTGTGGTTAGAACAGGAG-3'
Protein context (NP_849144.2, residues 1386-1406): VKPSVSAFTH[Ser1396Phe]PPENTTGISS